The following is an entry in ClinVar:

ClinVar aggregate classification (germline): Conflicting classifications of pathogenicity. Review status: criteria provided, conflicting classifications (1 of 4 stars). 3 submissions from 3 submitters: Uncertain significance (2); Likely benign (1). Last evaluated 2024-09-16.

Conditions:
Spinocerebellar ataxia 45. Identifiers: Orphanet 589527, MedGen C4540400, MONDO:0033480, OMIM 617769.

Allele frequency attached by ClinVar (database versions not stated): gnomAD exomes 0.00004; TOPMed 0.00013; gnomAD 0.00017; ExAC 0.00019; 1000 Genomes Project 30x 0.00078; 1000 Genomes Project 0.00080.
gnomAD v4.1: 123 of 1,612,384 alleles (0.0076%); highest among the groups gnomAD compares: East Asian, 0.045%; 3 homozygotes.

Submissions (3):

Labcorp Genetics (formerly Invitae), Labcorp
Classification: Uncertain significance. Last evaluated: 2024-09-16. Review status: criteria provided, single submitter. Criteria: Invitae Variant Classification Sherloc (09022015). Collection method: clinical testing. Allele origin: germline.
Comment: This sequence change replaces arginine, which is basic and polar, with cysteine, which is neutral and slightly polar, at codon 3269 of the FAT2 protein (p.Arg3269Cys). This variant is present in population databases (rs376862533, gnomAD 0.1%), and has an allele count higher than expected for a pathogenic variant. This variant has not been reported in the literature in individuals affected with FAT2-related conditions. Invitae Evidence Modeling of protein sequence and biophysical properties (such as structural, functional, and spatial information, amino acid conservation, physicochemical variation, residue mobility, and thermodynamic stability) indicates that this missense variant is expected to disrupt FAT2 protein function with a positive predictive value of 80%. In summary, the available evidence is currently insufficient to determine the role of this variant in disease. Therefore, it has been classified as a Variant of Uncertain Significance.

Ambry Genetics
Classification: Uncertain significance. Last evaluated: 2024-06-10. Review status: criteria provided, single submitter. Criteria: Ambry Variant Classification Scheme 2023. Collection method: clinical testing. Allele origin: germline.

Department of Pathology and Laboratory Medicine, Sinai Health System
Classification: Likely benign for Spinocerebellar ataxia 45. Last evaluated: 2021-07-30. Review status: criteria provided, single submitter. Criteria: ACMG Guidelines, 2015. Collection method: research. Allele origin: germline.

NM_001447.3(FAT2):c.9805C>T (p.Arg3269Cys)

Genes: SLC36A1 (solute carrier family 36 member 1; plus strand), FAT2 (FAT atypical cadherin 2; minus strand). Cytogenetic location: 5q33.1.
Variant type: single nucleotide variant.
Coding change: c.9805C>T on transcript NM_001447.3 (MANE Select); coding-DNA position 9805, C replaced by T.
Protein change: p.Arg3269Cys; replaces arginine 3269 with cysteine.
Molecular consequence: missense variant.
Genome position (GRCh38, 1-based): chr5:151,531,593, G>A on the plus strand (C>T on the coding strand, the complement: FAT2 is on the minus strand). VCF-style: chr5-151531593-G-A. GRCh37 (hg19) VCF-style: chr5-150911154-G-A.
Other names: c.9805C>T (NM_001447.2); short protein forms R3269C.
Identifiers: ClinVar variation 2767624 (VCV002767624.5), dbSNP rs376862533, ClinGen allele CA3520461.